The following is an entry in ClinVar:

NM_002234.4(KCNA5):c.521G>C (p.Gly174Ala)

Gene: KCNA5 (potassium voltage-gated channel subfamily A member 5; plus strand). Cytogenetic location: 12p13.32.
Variant type: single nucleotide variant.
Coding change: c.521G>C on transcript NM_002234.4 (MANE Select); coding-DNA position 521, G replaced by C.
Protein change: p.Gly174Ala; replaces glycine 174 with alanine.
Molecular consequence: missense variant.
Genome position (GRCh38, 1-based): chr12:5,044,668, G>C. VCF-style: chr12-5044668-G-C. GRCh37 (hg19) VCF-style: chr12-5153834-G-C.
Other names: short protein forms G174A.
Identifiers: ClinVar variation 2515752 (VCV002515752.5), dbSNP rs760735058, ClinGen allele CA6399644.

ClinVar aggregate classification (germline): Conflicting classifications of pathogenicity. Review status: criteria provided, conflicting classifications (1 of 4 stars). 2 submissions from 2 submitters: Uncertain significance (1); Likely benign (1). Last evaluated 2025-02-05.

Conditions:
Inborn genetic diseases. Identifiers: MedGen C0950123, MeSH D030342.
Atrial fibrillation, familial, 7 (ATFB7). Identifiers: MedGen C2677106, MONDO:0012828, OMIM 612240.

Allele frequency attached by ClinVar (database versions not stated): TOPMed below 0.00001; ExAC 0.00001; gnomAD 0.00003.

Submissions (2):

Labcorp Genetics (formerly Invitae), Labcorp
Classification: Uncertain significance for Atrial fibrillation, familial, 7. Last evaluated: 2025-02-05. Review status: criteria provided, single submitter. Criteria: Invitae Variant Classification Sherloc (09022015). Collection method: clinical testing. Allele origin: germline.
Comment: This sequence change replaces glycine, which is neutral and non-polar, with alanine, which is neutral and non-polar, at codon 174 of the KCNA5 protein (p.Gly174Ala). This variant is present in population databases (rs760735058, gnomAD 0.01%). This variant has not been reported in the literature in individuals affected with KCNA5-related conditions. ClinVar contains an entry for this variant (Variation ID: 2515752). An algorithm developed to predict the effect of missense changes on protein structure and function outputs the following: PolyPhen-2: "Benign". The alanine amino acid residue is found in multiple mammalian species, which suggests that this missense change does not adversely affect protein function. In summary, the available evidence is currently insufficient to determine the role of this variant in disease. Therefore, it has been classified as a Variant of Uncertain Significance.

Ambry Genetics
Classification: Likely benign for Inborn genetic diseases. Last evaluated: 2023-05-05. Review status: criteria provided, single submitter. Criteria: Ambry Variant Classification Scheme 2023. Collection method: clinical testing. Allele origin: germline.